The following is an entry in ClinVar:

ClinVar aggregate classification (germline): Uncertain significance (1 of 4 stars; one submission).

Submission:

Labcorp Genetics (formerly Invitae), Labcorp
Classification: Uncertain significance. Last evaluated: 2020-01-02. Review status: criteria provided, single submitter. Criteria: Invitae Variant Classification Sherloc (09022015). Collection method: clinical testing. Allele origin: germline.
Comment: In summary, the available evidence is currently insufficient to determine the role of this variant in disease. Therefore, it has been classified as a Variant of Uncertain Significance. This sequence change replaces aspartic acid with tyrosine at codon 94 of the RAB28 protein (p.Asp94Tyr). The aspartic acid residue is highly conserved and there is a large physicochemical difference between aspartic acid and tyrosine. This variant is not present in population databases (ExAC no frequency). This variant has not been reported in the literature in individuals with RAB28-related conditions. Algorithms developed to predict the effect of missense changes on protein structure and function (SIFT, PolyPhen-2, Align-GVGD) all suggest that this variant is likely to be disruptive, but these predictions have not been confirmed by published functional studies and their clinical significance is uncertain.

NM_001017979.3(RAB28):c.280G>T (p.Asp94Tyr)

Gene: RAB28 (RAB28, member RAS oncogene family; minus strand). Cytogenetic location: 4p15.33.
Variant type: single nucleotide variant.
Coding change: c.280G>T on transcript NM_001017979.3 (MANE Select); coding-DNA position 280, G replaced by T.
Protein change: p.Asp94Tyr; replaces aspartic acid 94 with tyrosine.
Molecular consequence: missense variant.
Genome position (GRCh38, 1-based): chr4:13,460,810, C>A on the plus strand (G>T on the coding strand, the complement: RAB28 is on the minus strand). VCF-style: chr4-13460810-C-A. GRCh37 (hg19) VCF-style: chr4-13462434-C-A.
Other names: c.280G>T, p.Asp94Tyr (NM_001159601.2, NM_004249.4); short protein forms D94Y.
Identifiers: ClinVar variation 1021670 (VCV001021670.9), dbSNP rs1715553363, ClinGen allele CA356373965.